The following is an entry in ClinVar:

NM_002225.5(IVD):c.1184G>A (p.Arg395Gln)

Gene: IVD (isovaleryl-CoA dehydrogenase; plus strand). Cytogenetic location: 15q15.1.
Variant type: single nucleotide variant.
Coding change: c.1184G>A on transcript NM_002225.5 (MANE Select); coding-DNA position 1184, G replaced by A.
Protein change: p.Arg395Gln; replaces arginine 395 with glutamine.
Molecular consequence: missense variant. On other transcripts: intron variant (3).
Genome position (GRCh38, 1-based): chr15:40,418,175, G>A. VCF-style: chr15-40418175-G-A. GRCh37 (hg19) VCF-style: chr15-40710374-G-A.
Other names: c.1094G>A, p.Arg365Gln (NM_001159508.3); c.1136G>A, p.Arg379Gln (NM_001354597.3); c.1271G>A, p.Arg424Gln (NM_001354599.3); c.1225+1813G>A (NM_001354600.3); c.1138+1813G>A (NM_001354598.3, NM_001354601.3); short protein forms R395Q, R424Q, R365Q, R379Q.
Identifiers: ClinVar variation 529434 (VCV000529434.23), dbSNP rs1477527791, ClinGen allele CA391724478.

ClinVar aggregate classification (germline): Pathogenic/Likely pathogenic. Review status: criteria provided, multiple submitters, no conflicts (2 of 4 stars). 10 submissions from 10 submitters: Pathogenic (4); Likely pathogenic (5). 1 of the submissions does not count toward it. Last evaluated 2026-03-21.

Conditions:
Isovaleryl-CoA dehydrogenase deficiency (IVA). Also called: Isovaleric acidemia; Classic Isovaleric Acidemia; ISOVALERIC ACID CoA DEHYDROGENASE DEFICIENCY; IVD DEFICIENCY. Identifiers: Orphanet 33, MedGen C0268575, MONDO:0009475, OMIM 243500.
Inborn genetic diseases. Identifiers: MedGen C0950123, MeSH D030342.

Allele frequency attached by ClinVar (database versions not stated): gnomAD 0.00001; gnomAD exomes 0.00001; TOPMed 0.00001.
gnomAD v4.1: 14 of 1,614,058 alleles (0.00087%); highest among the groups gnomAD compares: Non-Finnish European, 0.0012%; no homozygotes.

Submissions (11):

GeneDx
Classification: Likely pathogenic. Last evaluated: 2026-03-21. Review status: criteria provided, single submitter. Criteria: GeneDx Variant Classification Process June 2021. Collection method: clinical testing. Allele origin: germline.
Comment: Not observed at significant frequency in large population cohorts (gnomAD); In silico analysis supports that this missense variant has a deleterious effect on protein structure/function; Also known as p.R395Q; This variant is associated with the following publications: (PMID: 22960500, 28535199, 31589614, 35846131, 31442447, 24516753, 33521113, 26589311, Ozbey2024[CaseReport])

Labcorp Genetics (formerly Invitae), Labcorp
Classification: Pathogenic for Isovaleryl-CoA dehydrogenase deficiency. Last evaluated: 2026-01-25. Review status: criteria provided, single submitter. Criteria: Invitae Variant Classification Sherloc (09022015). Collection method: clinical testing. Allele origin: germline.
Comment: This sequence change replaces arginine, which is basic and polar, with glutamine, which is neutral and polar, at codon 398 of the IVD protein (p.Arg398Gln). This variant is not present in population databases (gnomAD no frequency). This missense change has been observed in individual(s) with isovaleric acidemia (PMID: 22960500, 24516753; internal data). In at least one individual the data is consistent with being in trans (on the opposite chromosome) from a pathogenic variant. This variant is also known as p.Arg395Gln. ClinVar contains an entry for this variant (Variation ID: 529434). An algorithm developed to predict the effect of missense changes on protein structure and function (PolyPhen-2) suggests that this variant is likely to be disruptive. For these reasons, this variant has been classified as Pathogenic.

Natera, Inc.
Classification: Pathogenic for Isovaleryl-coa dehydrogenase deficiency. Last evaluated: 2025-10-21. Review status: criteria provided, single submitter. Criteria: Natera Variant Classification Schema (03/2026). Collection method: clinical testing. Allele origin: germline.
Comment: The c.1193G>A variant in IVD is a missense variant predicted to cause substitution of arginine to glutamine at amino acid 398. This variant is rare in the general population with a frequency below the threshold expected for the associated phenotype(s). This variant has been observed in one or more individuals affected with the associated recessive disease, as either homozygous or compound heterozygous with a second variant (PMID: 28535199, 22960500, 31442447, 33521113, 35846131). Computational prediction algorithms indicate this variant is likely to affect gene or protein function. Given the available evidence, this variant is classified as Pathogenic.

Dubai Health Genomic Medicine Center, Dubai Health
Classification: Likely pathogenic for Isovaleric acidemia. Last evaluated: 2024-10-04. Review status: criteria provided, single submitter. Criteria: ACMG Guidelines, 2015. Collection method: research. Allele origin: germline. Affected: yes.
Comment: PM3(strong),PM2,PP3,PM5

Baylor Genetics
Classification: Likely pathogenic for Isovaleryl-CoA dehydrogenase deficiency. Last evaluated: 2024-03-09. Review status: criteria provided, single submitter. Criteria: ACMG Guidelines, 2015. Collection method: clinical testing. Allele origin: unknown.

Women's Health and Genetics/Laboratory Corporation of America, LabCorp
Classification: Likely pathogenic for Isovaleryl-CoA dehydrogenase deficiency. Last evaluated: 2022-07-14. Review status: criteria provided, single submitter. Criteria: LabCorp Variant Classification Summary - May 2015. Collection method: clinical testing. Allele origin: germline.
Comment: Variant summary: IVD c.1184G>A (p.Arg395Gln) results in a conservative amino acid change in the encoded protein sequence. Four of five in-silico tools predict a damaging effect of the variant on protein function. The variant was absent in 251434 control chromosomes. c.1184G>A has been reported in the literature in individuals affected with Isovaleryl-CoA Dehydrogenase Deficiency (example, Hertecant_2012, Li_2019, Wu_2021). These data indicate that the variant is likely to be associated with disease. To our knowledge, no experimental evidence demonstrating an impact on protein function has been reported. Four clinical diagnostic laboratories have submitted clinical-significance assessments for this variant to ClinVar after 2014 without evidence for independent evaluation (Pathogenic/Likely Pathogenic, n=3; VUS, n=1). Based on the evidence outlined above, the variant was classified as likely pathogenic.

Ambry Genetics
Classification: Likely pathogenic for Inborn genetic diseases. Last evaluated: 2018-06-07. Review status: criteria provided, single submitter. Criteria: Ambry exome assertion method (8-5-2015). Collection method: clinical testing. Allele origin: germline. Affected: yes. Observed: 1 variant allele.

Department of Genetics, Sultan Qaboos University Hospital
Classification: Pathogenic for Isovaleryl-CoA dehydrogenase deficiency. Last evaluated: 2017-12-30. Review status: criteria provided, single submitter. Criteria: ACMG Guidelines, 2015. Collection method: clinical testing. Allele origin: unknown. Affected: yes.

Juno Genomics, Hangzhou Juno Genomics, Inc
Classification: Pathogenic for Isovaleryl-CoA dehydrogenase deficiency. Review status: criteria provided, single submitter. Criteria: ACMG Guidelines, 2015. Collection method: clinical testing. Allele origin: germline. Affected: yes.
Comment: Absent from controls (or at extremely low frequency if recessive) in Genome Aggregation Database, Exome Sequencing Project, 1000 Genomes Project, or Exome Aggregation Consortium.;Multiple lines of computational evidence support a deleterious effect on the gene or gene product (conservation, evolutionary, splicing impact, etc).;For recessive disorders, detected in trans with a pathogenic variant.;Patient's phenotype or family history is highly specific for a disease with a single genetic etiology.

Counsyl
Classification: Uncertain significance for Isovaleryl-CoA dehydrogenase deficiency. Last evaluated: 2017-10-05. Review status: no assertion criteria provided. Collection method: clinical testing. Allele origin: unknown. Not counted in ClinVar's aggregate classification.

Dr. Peter K. Rogan Lab, Western University
No classification provided (evidence only). Condition: Cervical cancer. Review status: no classification provided. Collection method: in vitro. Allele origin: not applicable. Functional consequence: retained intron. Not counted in ClinVar's aggregate classification.

Literature cited by the submitters: PubMed 22960500 (cited by 5 submitters); PubMed 24516753 (cited by 3 submitters); PubMed 28535199 (cited by 3 submitters); PubMed 31442447 (cited by Natera, Inc. and Women's Health and Genetics/Laboratory Corporation of America, LabCorp); PubMed 33521113 (cited by Natera, Inc. and Women's Health and Genetics/Laboratory Corporation of America, LabCorp); PubMed 35846131 (cited by Natera, Inc.); PubMed 26589311 (cited by Counsyl).